The following is an entry in ClinVar:

ClinVar aggregate classification (germline): Uncertain significance (1 of 4 stars; one submission).

Submission:

GeneDx
Classification: Uncertain significance. Last evaluated: 2023-01-31. Review status: criteria provided, single submitter. Criteria: GeneDx Variant Classification Process June 2021. Collection method: clinical testing. Allele origin: germline.
Comment: Not observed at significant frequency in large population cohorts (gnomAD); In silico analysis supports that this missense variant has a deleterious effect on protein structure/function; Has not been previously published as pathogenic or benign to our knowledge

NM_021956.5(GRIK2):c.1790C>G (p.Pro597Arg)

Gene: GRIK2 (glutamate ionotropic receptor kainate type subunit 2; plus strand). Cytogenetic location: 6q16.3.
Variant type: single nucleotide variant.
Coding change: c.1790C>G on transcript NM_021956.5 (MANE Select); coding-DNA position 1790, C replaced by G.
Protein change: p.Pro597Arg; replaces proline 597 with arginine.
Molecular consequence: missense variant.
Genome position (GRCh38, 1-based): chr6:101,924,642, C>G. VCF-style: chr6-101924642-C-G. GRCh37 (hg19) VCF-style: chr6-102372517-C-G.
Other names: c.1790C>G, p.Pro597Arg (NM_001166247.1, NM_175768.3); short protein forms P597R.
Identifiers: ClinVar variation 1707888 (VCV001707888.3), dbSNP rs1318536936, ClinGen allele CA365311128.